The following is an entry in ClinVar:

NM_003611.3(OFD1):c.1280T>C (p.Leu427Pro)

Gene: OFD1 (OFD1 centriole and centriolar satellite protein; plus strand). Cytogenetic location: Xp22.2.
Variant type: single nucleotide variant.
Coding change: c.1280T>C on transcript NM_003611.3 (MANE Select); coding-DNA position 1280, T replaced by C.
Protein change: p.Leu427Pro; replaces leucine 427 with proline.
Molecular consequence: missense variant.
Genome position (GRCh38, 1-based): chrX:13,756,636, T>C. VCF-style: chrX-13756636-T-C. GRCh37 (hg19) VCF-style: chrX-13774755-T-C.
Other names: c.1160T>C, p.Leu387Pro (NM_001330209.2); c.860T>C, p.Leu287Pro (NM_001330210.2); short protein forms L287P, L387P, L427P.
Identifiers: ClinVar variation 1721117 (VCV001721117.6), dbSNP rs2047722079, ClinGen allele CA412342614.
Genomic context (GRCh38, chrX:13,756,636, plus strand): 5'-AGCTTGAATTAGAGTCTGTCAAAGCCCAGTCTTTGGCAATAACAAAACAAAACCATATGC[T>C]GAATGAAAAGGTTAAAGAGATGAGTGATTATTCACTACTAAAAGAAGAGAAACTGGAGCT-3'
Protein context (NP_003602.1, residues 417-437): SLAITKQNHM[Leu427Pro]NEKVKEMSDY

ClinVar aggregate classification (germline): Uncertain significance (1 of 4 stars; one submission).

Conditions:
Joubert syndrome. Also called: CEREBELLOPARENCHYMAL DISORDER IV; JOUBERT-BOLTSHAUSER SYNDROME; Familial aplasia of the vermis. Identifiers: Orphanet 475, MedGen C5979921, MONDO:0018772.
Orofaciodigital syndrome I (OFD1). Also called: OFDS I; Papillon-Leage and Psaume Syndrome; Oral-Facial-Digital Syndrome Type I. Identifiers: Orphanet 2750, MedGen C1510460, MONDO:0010702, OMIM 311200.

Submission:

Labcorp Genetics (formerly Invitae), Labcorp
Classification: Uncertain significance for Orofaciodigital syndrome I; Joubert syndrome. Last evaluated: 2025-10-21. Review status: criteria provided, single submitter. Criteria: Invitae Variant Classification Sherloc (09022015). Collection method: clinical testing. Allele origin: germline.
Comment: This sequence change replaces leucine, which is neutral and non-polar, with proline, which is neutral and non-polar, at codon 427 of the OFD1 protein (p.Leu427Pro). This variant is not present in population databases (gnomAD no frequency). This variant has not been reported in the literature in individuals affected with OFD1-related conditions. ClinVar contains an entry for this variant (Variation ID: 1721117). Invitae Evidence Modeling of protein sequence and biophysical properties (such as structural, functional, and spatial information, amino acid conservation, physicochemical variation, residue mobility, and thermodynamic stability) has been performed for this missense variant. However, the output from this modeling did not meet the statistical confidence thresholds required to predict the impact of this variant on OFD1 protein function. In summary, the available evidence is currently insufficient to determine the role of this variant in disease. Therefore, it has been classified as a Variant of Uncertain Significance.